The following is an entry in ClinVar:

ClinVar aggregate classification (germline): Uncertain significance (1 of 4 stars; one submission).

gnomAD v4.1: 4 of 1,613,964 alleles (0.00025%); highest among the groups gnomAD compares: African/African-American, 0.0053%; no homozygotes.

Submission:

Labcorp Genetics (formerly Invitae), Labcorp
Classification: Uncertain significance. Last evaluated: 2024-05-15. Review status: criteria provided, single submitter. Criteria: Invitae Variant Classification Sherloc (09022015). Collection method: clinical testing. Allele origin: germline.
Comment: This sequence change replaces serine, which is neutral and polar, with asparagine, which is neutral and polar, at codon 100 of the TRAPPC3 protein (p.Ser100Asn). This variant is present in population databases (rs749025207, gnomAD 0.007%). This variant has not been reported in the literature in individuals affected with TRAPPC3-related conditions. Experimental studies and prediction algorithms are not available or were not evaluated, and the functional significance of this variant is currently unknown. In summary, the available evidence is currently insufficient to determine the role of this variant in disease. Therefore, it has been classified as a Variant of Uncertain Significance.

NM_014408.5(TRAPPC3):c.275G>A (p.Ser92Asn)

Gene: TRAPPC3 (trafficking protein particle complex subunit 3; minus strand). Cytogenetic location: 1p34.3.
Variant type: single nucleotide variant.
Coding change: c.275G>A on transcript NM_014408.5 (MANE Select); coding-DNA position 275, G replaced by A.
Protein change: p.Ser92Asn; replaces serine 92 with asparagine.
Molecular consequence: missense variant. On other transcripts: non-coding transcript variant (1).
Genome position (GRCh38, 1-based): chr1:36,137,944, C>T on the plus strand (G>A on the coding strand, the complement: TRAPPC3 is on the minus strand). VCF-style: chr1-36137944-C-T. GRCh37 (hg19) VCF-style: chr1-36603545-C-T.
Other names: c.299G>A, p.Ser100Asn (NM_001270894.2); c.137G>A, p.Ser46Asn (NM_001270895.2, NM_001270896.2); c.77G>A, p.Ser26Asn (NM_001270897.2); short protein forms S100N, S26N, S46N, S92N.
Identifiers: ClinVar variation 3605138 (VCV003605138.2).
Genomic context (GRCh38, chr1:36,137,944, plus strand): 5'-AAGGGGTTATTTTCCAAAATGAGGGAGAATTCATCACCAGCTGGGCTCCAATTAGTAATG[C>T]TTGGAGTGATGCCCAAGTACATCTTGAACGCCACCTGTCAGGGGACACACAACAGCACTT-3'
Protein context (NP_055223.1, residues 82-102): AFKMYLGITP[Ser92Asn]ITNWSPAGDE